The following is an entry in ClinVar:

ClinVar aggregate classification (germline): Uncertain significance. Review status: criteria provided, multiple submitters, no conflicts (2 of 4 stars). 2 submissions from 2 submitters: Uncertain significance (2). Last evaluated 2025-10-01.

Conditions:
Inborn genetic diseases. Identifiers: MedGen C0950123, MeSH D030342.

Allele frequency attached by ClinVar (database versions not stated): ExAC 0.00002; gnomAD exomes 0.00002 and 0.00009; gnomAD 0.00003 and 0.00004; TOPMed 0.00005; ESP Exome Variant Server 0.00015.
gnomAD v4.1: 132 of 1,613,660 alleles (0.0082%); highest among the groups gnomAD compares: Non-Finnish European, 0.011%; no homozygotes.

Submissions (2):

Labcorp Genetics (formerly Invitae), Labcorp
Classification: Uncertain significance. Last evaluated: 2025-10-01. Review status: criteria provided, single submitter. Criteria: Invitae Variant Classification Sherloc (09022015). Collection method: clinical testing. Allele origin: germline.
Comment: This sequence change replaces methionine, which is neutral and non-polar, with threonine, which is neutral and polar, at codon 755 of the DDX58 protein (p.Met755Thr). This variant is present in population databases (rs142767943, gnomAD 0.009%). This variant has not been reported in the literature in individuals affected with DDX58-related conditions. ClinVar contains an entry for this variant (Variation ID: 1485705). Invitae Evidence Modeling of protein sequence and biophysical properties (such as structural, functional, and spatial information, amino acid conservation, physicochemical variation, residue mobility, and thermodynamic stability) indicates that this missense variant is not expected to disrupt DDX58 protein function with a negative predictive value of 80%. In summary, the available evidence is currently insufficient to determine the role of this variant in disease. Therefore, it has been classified as a Variant of Uncertain Significance.

Ambry Genetics
Classification: Uncertain significance for Inborn genetic diseases. Last evaluated: 2025-04-04. Review status: criteria provided, single submitter. Criteria: Ambry Variant Classification Scheme 2023. Collection method: clinical testing. Allele origin: germline.

NM_014314.4(RIGI):c.2264T>C (p.Met755Thr)

Gene: RIGI (RNA sensor RIG-I; minus strand). Cytogenetic location: 9p21.1.
Variant type: single nucleotide variant.
Coding change: c.2264T>C on transcript NM_014314.4 (MANE Select); coding-DNA position 2264, T replaced by C.
Protein change: p.Met755Thr; replaces methionine 755 with threonine.
Molecular consequence: missense variant.
Genome position (GRCh38, 1-based): chr9:32,466,363, A>G on the plus strand (T>C on the coding strand, the complement: RIGI is on the minus strand). VCF-style: chr9-32466363-A-G. GRCh37 (hg19) VCF-style: chr9-32466361-A-G.
Other names: c.2264T>C (NM_014314.3); c.2258T>C, p.Met753Thr (NM_001385907.1); c.2093T>C, p.Met698Thr (NM_001385909.1); c.1823T>C, p.Met608Thr (NM_001385910.1); c.1655T>C, p.Met552Thr (NM_001385912.1); c.2249T>C, p.Met750Thr (NM_001385913.1); c.1820T>C, p.Met607Thr (NM_001385914.1); short protein forms M755T, M552T, M607T, M750T, M753T, M608T, M698T.
Identifiers: ClinVar variation 1485705 (VCV001485705.10), dbSNP rs142767943, ClinGen allele CA5019552.
Genomic context (GRCh38, chr9:32,466,363, plus strand): 5'-ACTGCTTCGTCCCATGTCTGAAGGCGTAAAATAGAGTCATTCATCATTTTTTCTTTGTAC[A>G]TGTTTATTTGTTCTTTTTCAATTACACCAGCATTACTAGTCAGAAGGAAGCACTTGCTAC-3'
Protein context (NP_055129.2, residues 745-765): AGVIEKEQIN[Met755Thr]YKEKMMNDSI